The following is an entry in ClinVar:

NM_001378454.1(ALMS1):c.3150C>A (p.Tyr1050Ter)

Gene: ALMS1 (ALMS1 centrosome and basal body associated protein; plus strand). Cytogenetic location: 2p13.1.
Variant type: single nucleotide variant.
Coding change: c.3150C>A on transcript NM_001378454.1 (MANE Select); coding-DNA position 3150, C replaced by A.
Protein change: p.Tyr1050Ter; replaces tyrosine 1050 with a stop codon.
Molecular consequence: nonsense.
Genome position (GRCh38, 1-based): chr2:73,449,677, C>A. VCF-style: chr2-73449677-C-A. GRCh37 (hg19) VCF-style: chr2-73676804-C-A.
Other names: c.3153C>A, p.Tyr1051Ter (NM_015120.4); short protein forms Y1050*, Y1051*.
Identifiers: ClinVar variation 959797 (VCV000959797.11), dbSNP rs1671886193, ClinGen allele CA347273995.

ClinVar aggregate classification (germline): Pathogenic (1 of 4 stars; one submission).

Conditions:
Alstrom syndrome (ALMS). Identifiers: Orphanet 64, MedGen C0268425, MONDO:0008763, OMIM 203800.

Submission:

Labcorp Genetics (formerly Invitae), Labcorp
Classification: Pathogenic for Alstrom syndrome. Last evaluated: 2022-04-14. Review status: criteria provided, single submitter. Criteria: Invitae Variant Classification Sherloc (09022015). Collection method: clinical testing. Allele origin: germline.
Comment: For these reasons, this variant has been classified as Pathogenic. ClinVar contains an entry for this variant (Variation ID: 959797). This premature translational stop signal has been observed in individual(s) with Alstrom syndrome (PMID: 25846608). This variant is not present in population databases (gnomAD no frequency). This sequence change creates a premature translational stop signal (p.Tyr1051*) in the ALMS1 gene. It is expected to result in an absent or disrupted protein product. Loss-of-function variants in ALMS1 are known to be pathogenic (PMID: 17594715).

Literature cited by the submitters: PubMed 25846608; PubMed 17594715.